The following is an entry in ClinVar:

ClinVar aggregate classification (germline): Uncertain significance (1 of 4 stars; one submission).

Conditions:
Inborn genetic diseases. Identifiers: MedGen C0950123, MeSH D030342.

Submission:

Ambry Genetics
Classification: Uncertain significance for Inborn genetic diseases. Last evaluated: 2024-11-22. Review status: criteria provided, single submitter. Criteria: Ambry Variant Classification Scheme 2023. Collection method: clinical testing. Allele origin: germline.
Comment: The p.D226E variant (also known as c.678C>G), located in coding exon 8 of the ASXL1 gene, results from a C to G substitution at nucleotide position 678. The aspartic acid at codon 226 is replaced by glutamic acid, an amino acid with highly similar properties. This amino acid position is conserved. In addition, this alteration is predicted to be tolerated by in silico analysis. Based on the available evidence, the clinical significance of this variant remains unclear.

NM_015338.6(ASXL1):c.678C>G (p.Asp226Glu)

Gene: ASXL1 (ASXL transcriptional regulator 1; plus strand). Cytogenetic location: 20q11.21.
Variant type: single nucleotide variant.
Coding change: c.678C>G on transcript NM_015338.6 (MANE Select); coding-DNA position 678, C replaced by G.
Protein change: p.Asp226Glu; replaces aspartic acid 226 with glutamic acid.
Molecular consequence: missense variant. On other transcripts: intron variant (1).
Genome position (GRCh38, 1-based): chr20:32,430,013, C>G. VCF-style: chr20-32430013-C-G. GRCh37 (hg19) VCF-style: chr20-31017816-C-G.
Other names: c.535+582C>G (NM_001363734.1); short protein forms D226E.
Identifiers: ClinVar variation 3438432 (VCV003438432.1).